The following is an entry in ClinVar:

ClinVar aggregate classification (germline): Uncertain significance. Review status: criteria provided, multiple submitters, no conflicts (2 of 4 stars). 2 submissions from 2 submitters: Uncertain significance (2). Last evaluated 2023-07-25.

Conditions:
Early-infantile DEE. Also called: Early infantile epileptic encephalopathy with suppression bursts; Ohtahara syndrome; Early infantile epileptic encephalopathy. Identifiers: Orphanet 1934, MedGen C0393706, MONDO:0800491.

Submissions (2):

Labcorp Genetics (formerly Invitae), Labcorp
Classification: Uncertain significance for Early-infantile DEE. Last evaluated: 2023-07-25. Review status: criteria provided, single submitter. Criteria: Invitae Variant Classification Sherloc (09022015). Collection method: clinical testing. Allele origin: germline.
Comment: In summary, the available evidence is currently insufficient to determine the role of this variant in disease. Therefore, it has been classified as a Variant of Uncertain Significance. This sequence change replaces proline, which is neutral and non-polar, with serine, which is neutral and polar, at codon 651 of the KCNQ2 protein (p.Pro651Ser). This variant is not present in population databases (gnomAD no frequency). This variant has not been reported in the literature in individuals affected with KCNQ2-related conditions. An algorithm developed to predict the effect of missense changes on protein structure and function (PolyPhen-2) suggests that this variant is likely to be disruptive.

Blueprint Genetics
Classification: Uncertain significance. Last evaluated: 2020-01-07. Review status: criteria provided, single submitter. Criteria: ACMG Guidelines, 2015. Collection method: clinical testing. Allele origin: germline.

NM_172107.4(KCNQ2):c.1951C>T (p.Pro651Ser)

Gene: KCNQ2 (potassium voltage-gated channel subfamily Q member 2; minus strand). Cytogenetic location: 20q13.33.
Variant type: single nucleotide variant.
Coding change: c.1951C>T on transcript NM_172107.4 (MANE Select); coding-DNA position 1951, C replaced by T.
Protein change: p.Pro651Ser; replaces proline 651 with serine.
Molecular consequence: missense variant.
Genome position (GRCh38, 1-based): chr20:63,407,312, G>A on the plus strand (C>T on the coding strand, the complement: KCNQ2 is on the minus strand). VCF-style: chr20-63407312-G-A. GRCh37 (hg19) VCF-style: chr20-62038665-G-A.
Other names: c.2005C>T, p.Pro669Ser (NM_001382235.1); c.1867C>T, p.Pro623Ser (NM_004518.6); c.1897C>T, p.Pro633Ser (NM_172106.3); c.1858C>T, p.Pro620Ser (NM_172108.5); short protein forms P620S, P633S, P623S, P669S, P651S.
Identifiers: ClinVar variation 2778802 (VCV002778802.4), dbSNP rs2516104597, ClinGen allele CA409639350.
Genomic context (GRCh38, chr20:63,407,312, plus strand): 5'-GGTACGGCGGCGCCGGCTCCGGCTCTTTGGCCCCAAAGTAGGCCTCGGTCTCTGTCGGGG[G>A]GATGCCCATCCGCTGCATGTAGATATTCACCAGGAAGTCCAGCTTCTTCTCCATGGACAA-3'
Protein context (NP_742105.1, residues 641-661): VNIYMQRMGI[Pro651Ser]PTETEAYFGA